The following is an entry in ClinVar:

ClinVar aggregate classification (germline): Uncertain significance. Review status: criteria provided, multiple submitters, no conflicts (2 of 4 stars). 2 submissions from 2 submitters: Uncertain significance (2). Last evaluated 2025-06-19.

Conditions:
Familial cancer of breast. Also called: Hereditary breast cancer; hereditary breast carcinoma; BREAST CANCER, FAMILIAL. Identifiers: Orphanet 227535, MedGen C0346153, MONDO:0016419, OMIM 114480. Disease mechanism: loss of function.
Hereditary cancer-predisposing syndrome. Also called: Tumor predisposition; Hereditary neoplastic syndrome; Neoplastic Syndromes, Hereditary; Hereditary Cancer Syndrome. Identifiers: Orphanet 140162, MedGen C0027672, MeSH D009386, MONDO:0015356.

gnomAD v4.1: 3 of 1,613,478 alleles (0.00019%); highest among the groups gnomAD compares: Non-Finnish European, 0.00025%; no homozygotes.

Submissions (2):

Labcorp Genetics (formerly Invitae), Labcorp
Classification: Uncertain significance for Familial cancer of breast. Last evaluated: 2025-06-19. Review status: criteria provided, single submitter. Criteria: Invitae Variant Classification Sherloc (09022015). Collection method: clinical testing. Allele origin: germline.
Comment: This sequence change replaces histidine, which is basic and polar, with arginine, which is basic and polar, at codon 606 of the BARD1 protein (p.His606Arg). This variant is not present in population databases (gnomAD no frequency). This variant has not been reported in the literature in individuals affected with BARD1-related conditions. An algorithm developed to predict the effect of missense changes on protein structure and function (PolyPhen-2) suggests that this variant is likely to be disruptive. In summary, the available evidence is currently insufficient to determine the role of this variant in disease. Therefore, it has been classified as a Variant of Uncertain Significance.

Ambry Genetics
Classification: Uncertain significance for Hereditary cancer-predisposing syndrome. Last evaluated: 2025-04-28. Review status: criteria provided, single submitter. Criteria: Ambry Variant Classification Scheme 2023. Collection method: clinical testing. Allele origin: germline.
Comment: The p.H606R variant (also known as c.1817A>G), located in coding exon 9 of the BARD1 gene, results from an A to G substitution at nucleotide position 1817. The histidine at codon 606 is replaced by arginine, an amino acid with highly similar properties. This amino acid position is conserved. In addition, the in silico prediction for this alteration is inconclusive. Based on the available evidence, the clinical significance of this variant remains unclear.

NM_000465.4(BARD1):c.1817A>G (p.His606Arg)

Gene: BARD1 (BRCA1 associated RING domain 1; minus strand). Cytogenetic location: 2q35.
Variant type: single nucleotide variant.
Coding change: c.1817A>G on transcript NM_000465.4 (MANE Select); coding-DNA position 1817, A replaced by G.
Protein change: p.His606Arg; replaces histidine 606 with arginine.
Molecular consequence: missense variant. On other transcripts: non-coding transcript variant (3), intron variant (1).
Genome position (GRCh38, 1-based): chr2:214,745,153, T>C on the plus strand (A>G on the coding strand, the complement: BARD1 is on the minus strand). VCF-style: chr2-214745153-T-C. GRCh37 (hg19) VCF-style: chr2-215609877-T-C.
Other names: c.1760A>G, p.His587Arg (NM_001282543.2); c.464A>G, p.His155Arg (NM_001282545.2); c.407A>G, p.His136Arg (NM_001282548.2); c.365-14645A>G (NM_001282549.2); short protein forms H155R, H587R, H136R, H606R.
Identifiers: ClinVar variation 3988468 (VCV003988468.2).